The following is an entry in ClinVar:

ClinVar aggregate classification (germline): Benign. Review status: criteria provided, single submitter (1 of 4 stars). 2 submissions from 2 submitters: Benign (1). 1 of the submissions does not count toward it. Last evaluated 2017-12-11.

Conditions:
SLC7A5-related disorder. Also called: SLC7A5-related condition.

Allele frequency attached by ClinVar (database versions not stated): gnomAD exomes 0.00036 and 0.00098; ExAC 0.00119; ESP Exome Variant Server 0.00324; gnomAD 0.00402 and 0.00433; TOPMed 0.00463; 1000 Genomes Project 0.00479; 1000 Genomes Project 30x 0.00531.
gnomAD v4.1: 1,171 of 1,611,682 alleles (0.073%); highest among the groups gnomAD compares: African/African-American, 1.4%; 12 homozygotes.

Submissions (2):

Labcorp Genetics (formerly Invitae), Labcorp
Classification: Benign. Last evaluated: 2017-12-11. Review status: criteria provided, single submitter. Criteria: Invitae Variant Classification Sherloc (09022015). Collection method: clinical testing. Allele origin: germline.

PreventionGenetics, part of Exact Sciences
Classification: Benign for SLC7A5-related condition. Last evaluated: 2019-07-25. Review status: no assertion criteria provided. Collection method: clinical testing. Allele origin: germline. Not counted in ClinVar's aggregate classification.
Comment: This variant is classified as benign based on ACMG/AMP sequence variant interpretation guidelines (Richards et al. 2015 PMID: 25741868, with internal and published modifications).

NM_003486.7(SLC7A5):c.387C>T (p.Ala129=)

Gene: SLC7A5 (solute carrier family 7 member 5; minus strand). Cytogenetic location: 16q24.2.
Variant type: single nucleotide variant.
Coding change: c.387C>T on transcript NM_003486.7 (MANE Select); coding-DNA position 387, C replaced by T.
Protein change: p.Ala129=; no amino-acid change (alanine 129 retained).
Molecular consequence: synonymous variant.
Genome position (GRCh38, 1-based): chr16:87,869,036, G>A on the plus strand (C>T on the coding strand, the complement: SLC7A5 is on the minus strand). VCF-style: chr16-87869036-G-A. GRCh37 (hg19) VCF-style: chr16-87902642-G-A.
Identifiers: ClinVar variation 731128 (VCV000731128.5), dbSNP rs33913122, ClinGen allele CA8223094.